The following is an entry in ClinVar:

ClinVar aggregate classification (germline): Uncertain significance. Review status: criteria provided, multiple submitters, no conflicts (2 of 4 stars). 3 submissions from 3 submitters: Uncertain significance (3). Last evaluated 2025-05-05.

Conditions:
Hereditary cancer-predisposing syndrome. Also called: Tumor predisposition; Hereditary neoplastic syndrome; Hereditary Cancer Syndrome; Neoplastic Syndromes, Hereditary. Identifiers: Orphanet 140162, MedGen C0027672, MeSH D009386, MONDO:0015356.
Familial adenomatous polyposis 1 (FAP1). Also called: POLYPOSIS, ADENOMATOUS INTESTINAL; FAMILIAL ADENOMATOUS POLYPOSIS 1, ATTENUATED. Identifiers: MedGen C2713442, MONDO:0021056, OMIM 175100. Disease mechanism: loss of function.

Allele frequency attached by ClinVar (database versions not stated): TOPMed below 0.00001.

Submissions (3):

Color Diagnostics, LLC DBA Color Health
Classification: Uncertain significance for Hereditary cancer-predisposing syndrome. Last evaluated: 2025-05-05. Review status: criteria provided, single submitter. Criteria: ACMG Guidelines, 2015. Collection method: clinical testing. Allele origin: germline.
Comment: This missense variant replaces asparagine with aspartic acid at codon 1979 of the APC protein. Computational prediction suggests that this variant may not impact protein structure and function. To our knowledge, functional studies have not been reported for this variant. This variant has not been reported in individuals affected with APC-related disorders in the literature. This variant has not been identified in the general population by the Genome Aggregation Database (gnomAD). The available evidence is insufficient to determine the role of this variant in disease conclusively. Therefore, this variant is classified as a Variant of Uncertain Significance.

Ambry Genetics
Classification: Uncertain significance for Hereditary cancer-predisposing syndrome. Last evaluated: 2025-03-14. Review status: criteria provided, single submitter. Criteria: Ambry Variant Classification Scheme 2023. Collection method: clinical testing. Allele origin: germline.
Comment: The p.N1979D variant (also known as c.5935A>G), located in coding exon 15 of the APC gene, results from an A to G substitution at nucleotide position 5935. The asparagine at codon 1979 is replaced by aspartic acid, an amino acid with highly similar properties. This amino acid position is well conserved in available vertebrate species. In addition, in silico predictors for this gene do not accurately predict pathogenicity. Missense alterations in APC are not a common cause of disease (Spier I et al. Genet Med. 2024 Feb;26(2):100992). Based on the available evidence, the clinical significance of this variant remains unclear.

Labcorp Genetics (formerly Invitae), Labcorp
Classification: Uncertain significance for Familial adenomatous polyposis 1. Last evaluated: 2019-05-28. Review status: criteria provided, single submitter. Criteria: Invitae Variant Classification Sherloc (09022015). Collection method: clinical testing. Allele origin: germline.
Comment: Algorithms developed to predict the effect of missense changes on protein structure and function are either unavailable or do not agree on the potential impact of this missense change (SIFT: "Deleterious"; PolyPhen-2: "Probably Damaging"; Align-GVGD: "Class C15"). In summary, the available evidence is currently insufficient to determine the role of this variant in disease. Therefore, it has been classified as a Variant of Uncertain Significance. This variant has not been reported in the literature in individuals with APC-related conditions. This variant is not present in population databases (ExAC no frequency). This sequence change replaces asparagine with aspartic acid at codon 1979 of the APC protein (p.Asn1979Asp). The asparagine residue is highly conserved and there is a small physicochemical difference between asparagine and aspartic acid.

NM_000038.6(APC):c.5935A>G (p.Asn1979Asp)

Gene: APC (APC regulator of Wnt signaling pathway; plus strand). Cytogenetic location: 5q22.2.
Variant type: single nucleotide variant.
Coding change: c.5935A>G on transcript NM_000038.6 (MANE Select); coding-DNA position 5935, A replaced by G.
Protein change: p.Asn1979Asp; replaces asparagine 1979 with aspartic acid.
Molecular consequence: missense variant.
Genome position (GRCh38, 1-based): chr5:112,841,529, A>G. VCF-style: chr5-112841529-A-G. GRCh37 (hg19) VCF-style: chr5-112177226-A-G.
Other names: c.5935A>G, p.Asn1979Asp (NM_001127510.3, NM_001354895.2); c.5881A>G, p.Asn1961Asp (NM_001127511.3); c.5989A>G, p.Asn1997Asp (NM_001354896.2); c.5965A>G, p.Asn1989Asp (NM_001354897.2); c.5860A>G, p.Asn1954Asp (NM_001354898.2); c.5851A>G, p.Asn1951Asp (NM_001354899.2); c.5812A>G, p.Asn1938Asp (NM_001354900.2); c.5758A>G, p.Asn1920Asp (NM_001354901.2); and 5 more; short protein forms N1819D, N1888D, N1920D, N1938D, N1951D, N1979D, N1853D, N1878D.
Identifiers: ClinVar variation 936408 (VCV000936408.14), dbSNP rs1766092142, ClinGen allele CA16034318.
Genomic context (GRCh38, chr5:112,841,529, plus strand): 5'-ACTCCGGTTTGCTTTTCTCATAATTCCTCTCTGAGTTCTCTCAGTGACATTGACCAAGAA[A>G]ACAACAATAAAGAAAATGAACCTATCAAAGAGACTGAGCCCCCTGACTCACAGGGAGAAC-3'
Protein context (NP_000029.2, residues 1969-1989): LSSLSDIDQE[Asn1979Asp]NNKENEPIKE